The following is an entry in ClinVar:

ClinVar aggregate classification (germline): Uncertain significance (1 of 4 stars; one submission).

Conditions:
Androgen resistance syndrome (AIS). Also called: ANDROGEN RECEPTOR DEFICIENCY; DIHYDROTESTOSTERONE RECEPTOR DEFICIENCY; TESTICULAR FEMINIZATION SYNDROME; DHTR DEFICIENCY; Androgen insensitivity syndrome; Androgen insensitivity. Identifiers: Orphanet 754, Orphanet 99429, MedGen C0039585, MONDO:0019154, OMIM 300068. Disease mechanism: loss of function.
Kennedy disease (SMAX1). Also called: SPINAL AND BULBAR MUSCULAR ATROPHY, X-LINKED 1; KENNEDY SPINAL AND BULBAR MUSCULAR ATROPHY; Spinal and Bulbar Muscular Atrophy. Identifiers: Orphanet 481, MedGen C1839259, MONDO:0010735, OMIM 313200.

Submission:

Labcorp Genetics (formerly Invitae), Labcorp
Classification: Uncertain significance for Kennedy disease; Androgen resistance syndrome. Last evaluated: 2026-01-13. Review status: criteria provided, single submitter. Criteria: Invitae Variant Classification Sherloc (09022015). Collection method: clinical testing. Allele origin: germline.
Comment: This variant, c.173_176delinsT, is a complex sequence change that results in the deletion of 2 and insertion of 1 amino acid(s) in the AR protein (p.Gln58_Gln59delinsLeu). This variant is not present in population databases (gnomAD no frequency). This variant has not been reported in the literature in individuals affected with AR-related conditions. Experimental studies and prediction algorithms are not available or were not evaluated, and the functional significance of this variant is currently unknown. This variant disrupts a region of the AR protein in which other variant(s) (p.Gln58Leu) have been observed in individuals with AR-related conditions (PMID: 24737579). This suggests that this is a clinically significant region of the protein, and that variants that disrupt it are likely to be disease-causing. In summary, the available evidence is currently insufficient to determine the role of this variant in disease. Therefore, it has been classified as a Variant of Uncertain Significance.

Literature cited by the submitters: PubMed 24737579.

NM_000044.6(AR):c.173_176delinsT (p.Gln58_Gln59delinsLeu)

Genes: AR (androgen receptor; plus strand), LOC109504725 (androgen receptor repeat instability region; plus strand). Cytogenetic location: Xq12.
Variant type: Indel.
Coding change: c.173_176delinsT on transcript NM_000044.6 (MANE Select); coding-DNA positions 173 to 176, AGCA replaced by T.
Protein change: p.Gln58_Gln59delinsLeu.
Molecular consequence: inframe indel. On other transcripts: 5 prime UTR variant (1).
Genome position (GRCh38, 1-based): chrX:67,545,319-67,545,322, AGCA replaced by T. VCF-style: chrX-67545319-AGCA-T. GRCh37 (hg19) VCF-style: chrX-66765161-AGCA-T.
Other names: c.173_176delinsT, p.Gln58_Gln59delinsLeu (NM_001348061.1, NM_001348063.1, NM_001348064.1); c.-1611_-1608delinsT (NM_001011645.3).
Identifiers: ClinVar variation 4786862 (VCV004786862.1).